The following is an entry in ClinVar:

ClinVar aggregate classification (germline): Uncertain significance (1 of 4 stars; one submission).

Submission:

Labcorp Genetics (formerly Invitae), Labcorp
Classification: Uncertain significance. Last evaluated: 2025-08-18. Review status: criteria provided, single submitter. Criteria: Invitae Variant Classification Sherloc (09022015). Collection method: clinical testing. Allele origin: germline.
Comment: This sequence change creates a premature translational stop signal (p.Glu203Valfs*25) in the CASQ1 gene. It is expected to result in an absent or disrupted protein product. However, the current clinical and genetic evidence is not sufficient to establish whether loss-of-function variants in CASQ1 cause disease. This variant is not present in population databases (gnomAD no frequency). This variant has not been reported in the literature in individuals affected with CASQ1-related conditions. In summary, the available evidence is currently insufficient to determine the role of this variant in disease. Therefore, it has been classified as a Variant of Uncertain Significance.

NM_001231.5(CASQ1):c.608_609del (p.Glu203fs)

Gene: CASQ1 (calsequestrin 1; plus strand). Cytogenetic location: 1q23.2.
Variant type: Deletion.
Coding change: c.608_609del on transcript NM_001231.5 (MANE Select); coding-DNA positions 608 to 609, 2 bases deleted (AG; older notation c.608_609delAG).
Protein change: p.Glu203fs; shifts the reading frame from glutamic acid 203.
Molecular consequence: frameshift variant.
Genome position (GRCh38, 1-based): chr1:160,195,491-160,195,492, AG deleted; deleting any 2 consecutive bases within chr1:160,195,490-160,195,492 gives the same sequence; the c. name uses the placement nearest the transcript's 3' end. VCF-style (leftmost placement, unchanged base first): chr1-160195489-GGA-G. GRCh37 (hg19) VCF-style: chr1-160165279-GGA-G.
Other names: short protein forms E203fs.
Identifiers: ClinVar variation 4772155 (VCV004772155.1).